The following is an entry in ClinVar:

NM_004586.3(RPS6KA3):c.987G>A (p.Thr329=)

Gene: RPS6KA3 (ribosomal protein S6 kinase A3; minus strand). Cytogenetic location: Xp22.12.
Variant type: single nucleotide variant.
Coding change: c.987G>A on transcript NM_004586.3 (MANE Select); coding-DNA position 987, G replaced by A.
Protein change: p.Thr329=; no amino-acid change (threonine 329 retained).
Molecular consequence: synonymous variant.
Genome position (GRCh38, 1-based): chrX:20,176,446, C>T on the plus strand (G>A on the coding strand, the complement: RPS6KA3 is on the minus strand). VCF-style: chrX-20176446-C-T. GRCh37 (hg19) VCF-style: chrX-20194564-C-T.
Other names: c.987G>A (NM_004586.2).
Identifiers: ClinVar variation 1561527 (VCV001561527.9), dbSNP rs750203223, ClinGen allele CA10366188.

ClinVar aggregate classification (germline): Benign/Likely benign. Review status: criteria provided, multiple submitters, no conflicts (2 of 4 stars). 2 submissions from 2 submitters: Benign (1); Likely benign (1). Last evaluated 2025-08-04.

Conditions:
Intellectual developmental disorder, X-linked 19. Also called: Intellectual disability, X-linked 19. Identifiers: Orphanet 777, MedGen C0796225, MONDO:0010447, OMIM 300844.
Coffin-Lowry syndrome (CLS). Also called: COFFIN-LOWRY SYNDROME, MILD; Mental retardation with osteocartilaginous abnormalities. Identifiers: Orphanet 192, MedGen C0265252, MONDO:0010561, OMIM 303600.
RPS6KA3-related disorder. Also called: RPS6KA3-related condition.

Allele frequency attached by ClinVar (database versions not stated): gnomAD exomes 0.00003 and 0.00001; ExAC 0.00001.
gnomAD v4.1: 7 of 1,189,270 alleles (0.00059%); highest among the groups gnomAD compares: East Asian, 0.012%; no homozygotes.

Submissions (2):

PreventionGenetics, part of Exact Sciences
Classification: Likely benign for RPS6KA3-related condition. Last evaluated: 2025-08-04. Review status: criteria provided, single submitter. Criteria: ACMG Guidelines, 2015. Collection method: clinical testing. Allele origin: germline.
Comment: This variant is classified as likely benign based on ACMG/AMP sequence variant interpretation guidelines (Richards et al. 2015 PMID: 25741868, with internal and published modifications).

Labcorp Genetics (formerly Invitae), Labcorp
Classification: Benign for Coffin-Lowry syndrome; Intellectual developmental disorder, X-linked 19. Last evaluated: 2022-06-27. Review status: criteria provided, single submitter. Criteria: Invitae Variant Classification Sherloc (09022015). Collection method: clinical testing. Allele origin: germline.